The following is an entry in ClinVar:

ClinVar aggregate classification (germline): Uncertain significance (1 of 4 stars; one submission).

Conditions:
DYRK1A-related intellectual disability syndrome (MRD7). Also called: DYRK1A Syndrome; Intellectual developmental disorder, autosomal dominant 7. Identifiers: Orphanet 464306, MedGen C5568143, MONDO:0013578, OMIM 614104.

Allele frequency attached by ClinVar (database versions not stated): gnomAD exomes below 0.00001; TOPMed below 0.00001.

Submission:

Labcorp Genetics (formerly Invitae), Labcorp
Classification: Uncertain significance for DYRK1A-related intellectual disability syndrome. Last evaluated: 2025-11-17. Review status: criteria provided, single submitter. Criteria: Invitae Variant Classification Sherloc (09022015). Collection method: clinical testing. Allele origin: germline.
Comment: This sequence change replaces serine, which is neutral and polar, with asparagine, which is neutral and polar, at codon 522 of the DYRK1A protein (p.Ser522Asn). The frequency data for this variant in the population databases is considered unreliable, as metrics indicate poor data quality at this position in the gnomAD database. This variant has not been reported in the literature in individuals affected with DYRK1A-related conditions. ClinVar contains an entry for this variant (Variation ID: 2881037). Invitae Evidence Modeling of protein sequence and biophysical properties (such as structural, functional, and spatial information, amino acid conservation, physicochemical variation, residue mobility, and thermodynamic stability) indicates that this missense variant is not expected to disrupt DYRK1A protein function with a negative predictive value of 95%. In summary, the available evidence is currently insufficient to determine the role of this variant in disease. Therefore, it has been classified as a Variant of Uncertain Significance.

NM_001347721.2(DYRK1A):c.1538G>A (p.Ser513Asn)

Gene: DYRK1A (dual specificity tyrosine phosphorylation regulated kinase 1A; plus strand). Cytogenetic location: 21q22.13.
Variant type: single nucleotide variant.
Coding change: c.1538G>A on transcript NM_001347721.2 (MANE Select); coding-DNA position 1538, G replaced by A.
Protein change: p.Ser513Asn; replaces serine 513 with asparagine.
Molecular consequence: missense variant. On other transcripts: intron variant (1).
Genome position (GRCh38, 1-based): chr21:37,506,117, G>A. VCF-style: chr21-37506117-G-A. GRCh37 (hg19) VCF-style: chr21-38878420-G-A.
Other names: c.1538G>A, p.Ser513Asn (NM_001347722.2, NM_130436.2); c.1451G>A, p.Ser484Asn (NM_001347723.2); c.1565G>A, p.Ser522Asn (NM_001396.5, NM_101395.2); c.1546+528G>A (NM_130438.2); short protein forms S522N, S513N, S484N.
Identifiers: ClinVar variation 2881037 (VCV002881037.3), dbSNP rs1180732528, ClinGen allele CA409938821.
Genomic context (GRCh38, chr21:37,506,117, plus strand): 5'-TTTAAACTCACAGTTGTATTGTTTTGTGTTGTGATATTTCAGGTGGCTCATCGGGGACAA[G>A]CAACAGTGGGAGAGCCCGGTCGGATCCGACGCACCAGCATCGGCACAGTGGTGGGCACTT-3'
Protein context (NP_001334650.1, residues 503-523): SSSSGGSSGT[Ser513Asn]NSGRARSDPT